The following is an entry in ClinVar:

ClinVar aggregate classification (germline): Uncertain significance. Review status: criteria provided, multiple submitters, no conflicts (2 of 4 stars). 2 submissions from 2 submitters: Uncertain significance (2). Last evaluated 2025-05-27.

Submissions (2):

Women's Health and Genetics/Laboratory Corporation of America, LabCorp
Classification: Uncertain significance. Last evaluated: 2025-05-27. Review status: criteria provided, single submitter. Criteria: LabCorp Variant Classification Summary - May 2015. Collection method: clinical testing. Allele origin: germline.
Comment: Variant summary: SORD c.67_69delGAG (p.Glu23del) results in an in-frame deletion that is predicted to remove one amino acid from the encoded protein. The variant allele was found at a frequency of 4.1e-06 in 242788 control chromosomes (gnomAD). The available data on variant occurrences in the general population are insufficient to allow any conclusion about variant significance. To our knowledge, no occurrence of c.67_69delGAG in individuals affected with Neuronopathy, distal hereditary motor, autosomal recessive 8 and no experimental evidence demonstrating its impact on protein function have been reported. ClinVar contains an entry for this variant (Variation ID: 2683307). Based on the evidence outlined above, the variant was classified as uncertain significance.

Mayo Clinic Laboratories, Mayo Clinic
Classification: Uncertain significance. Last evaluated: 2023-02-01. Review status: criteria provided, single submitter. Criteria: ACMG Guidelines, 2015. Collection method: clinical testing. Allele origin: germline. Observed: 1 variant allele.
Comment: PM2, PM4

NM_003104.6(SORD):c.67_69del

Gene: SORD (sorbitol dehydrogenase; plus strand). Cytogenetic location: 15q21.1.
Variant type: Deletion.
Coding change: c.67_69del on transcript NM_003104.6 (MANE Select); coding-DNA positions 67 to 69, 3 bases deleted (GAG; older notation c.67_69delGAG).
Molecular consequence: splice acceptor variant.
Genome position (GRCh38, 1-based): chr15:45,040,408-45,040,410, GAG deleted; deleting any 3 consecutive bases within chr15:45,040,406-45,040,410 gives the same sequence; the c. name uses the placement nearest the transcript's 3' end. VCF-style (leftmost placement, unchanged base first): chr15-45040405-TAGG-T. GRCh37 (hg19) VCF-style: chr15-45332603-TAGG-T.
Other names: p.Glu23del; c.67_69delGAG (NM_003104.6).
Identifiers: ClinVar variation 2683307 (VCV002683307.2), dbSNP rs1566959066, ClinGen allele CA617683514.